The following is an entry in ClinVar:

NM_002738.7(PRKCB):c.1266C>T (p.Tyr422=)

Gene: PRKCB (protein kinase C beta; plus strand). Cytogenetic location: 16p12.2.
Variant type: single nucleotide variant.
Coding change: c.1266C>T on transcript NM_002738.7 (MANE Select); coding-DNA position 1266, C replaced by T.
Protein change: p.Tyr422=; no amino-acid change (tyrosine 422 retained).
Molecular consequence: synonymous variant.
Genome position (GRCh38, 1-based): chr16:24,172,296, C>T. VCF-style: chr16-24172296-C-T. GRCh37 (hg19) VCF-style: chr16-24183617-C-T.
Other names: c.1266C>T, p.Tyr422= (NM_212535.3).
Identifiers: ClinVar variation 4980289 (VCV004980289.1).
Genomic context (GRCh38, chr16:24,172,296, plus strand): 5'-GATGCTAATGTTGCTGTTTGCTGTCCTCTTCCAGGACCGCCTGTACTTTGTGATGGAGTA[C>T]GTGAATGGGGGCGACCTCATGTATCACATCCAGCAAGTCGGCCGGTTCAAGGAGCCCCAT-3'
Protein context (NP_002729.2, residues 412-432): TMDRLYFVME[Tyr422=]VNGGDLMYHI

ClinVar aggregate classification (germline): Likely benign (1 of 4 stars; one submission).

Conditions:
PRKCB-related disorder. Also called: PRKCB-related condition.

gnomAD v4.1: 22 of 1,613,908 alleles (0.0014%); highest among the groups gnomAD compares: East Asian, 0.022%; no homozygotes.

Submission:

PreventionGenetics, part of Exact Sciences
Classification: Likely benign for PRKCB-related condition. Last evaluated: 2026-05-27. Review status: criteria provided, single submitter. Criteria: ACMG Guidelines, 2015. Collection method: clinical testing. Allele origin: germline.
Comment: This variant is classified as likely benign based on ACMG/AMP sequence variant interpretation guidelines (Richards et al. 2015 PMID: 25741868, with internal and published modifications).